The following is an entry in ClinVar:

ClinVar aggregate classification (germline): Likely pathogenic. Review status: criteria provided, single submitter (1 of 4 stars). 2 submissions from 2 submitters: Likely pathogenic (1). 1 of the submissions does not count toward it. Last evaluated 2022-08-16.

Conditions:
Polycystic lipomembranous osteodysplasia with sclerosing leukoencephalopathy 1 (PLOSL1). Also called: TYROBP-Related Polycystic Lipomembranous Osteodysplasia with Sclerosing Leukoencephalopathy; TREM2-Related Polycystic Lipomembranous Osteodysplasia with Sclerosing Leukoencephalopathy. Identifiers: Orphanet 2770, MedGen C4721893, MONDO:0020749, OMIM 221770.

Submissions (2):

Labcorp Genetics (formerly Invitae), Labcorp
Classification: Likely pathogenic. Last evaluated: 2022-08-16. Review status: criteria provided, single submitter. Criteria: Invitae Variant Classification Sherloc (09022015). Collection method: clinical testing. Allele origin: germline.
Comment: In summary, the currently available evidence indicates that the variant is pathogenic, but additional data are needed to prove that conclusively. Therefore, this variant has been classified as Likely Pathogenic. Algorithms developed to predict the effect of sequence changes on RNA splicing suggest that this variant may disrupt the consensus splice site. Experimental studies and prediction algorithms are not available or were not evaluated, and the functional significance of this variant is currently unknown. ClinVar contains an entry for this variant (Variation ID: 56397). This premature translational stop signal has been observed in individual(s) with Nasu-Hakola disease (PMID: 17125796). In at least one individual the data is consistent with being in trans (on the opposite chromosome) from a pathogenic variant. This variant is not present in population databases (gnomAD no frequency). This sequence change creates a premature translational stop signal (p.Glu88*) in the TYROBP gene. While this is not anticipated to result in nonsense mediated decay, it is expected to disrupt the last 26 amino acid(s) of the TYROBP protein.

Juha Muilu Group; Institute for Molecular Medicine Finland (FIMM)
Classification: Likely pathogenic for Polycystic lipomembranous osteodysplasia with sclerosing leukoencephalopathy. Review status: no assertion criteria provided. Collection method: not provided. Allele origin: unknown. Not counted in ClinVar's aggregate classification.
Comment: FinDis database variant: FinDis database variant: This variant was not found or characterized by our laboratory, data were collected from public sources: see reference
ClinVar note: Converted during submission from probable-pathogenic to Likely pathogenic.

Literature cited by the submitters: PubMed 17125796 (cited by Labcorp Genetics (formerly Invitae), Labcorp).

NM_003332.4(TYROBP):c.262G>T (p.Glu88Ter)

Gene: TYROBP (transmembrane immune signaling adaptor TYROBP; minus strand). Cytogenetic location: 19q13.12.
Variant type: single nucleotide variant.
Coding change: c.262G>T on transcript NM_003332.4 (MANE Select); coding-DNA position 262, G replaced by T.
Protein change: p.Glu88Ter; replaces glutamic acid 88 with a stop codon.
Molecular consequence: nonsense. On other transcripts: non-coding transcript variant (1).
Genome position (GRCh38, 1-based): chr19:35,907,232, C>A on the plus strand (G>T on the coding strand, the complement: TYROBP is on the minus strand). VCF-style: chr19-35907232-C-A. GRCh37 (hg19) VCF-style: chr19-36398134-C-A.
Other names: c.229G>T, p.Glu77Ter (NM_001173514.2); c.226G>T, p.Glu76Ter (NM_001173515.2); c.259G>T, p.Glu87Ter (NM_198125.3); short protein forms E76*, E77*, E87*, E88*.
Identifiers: ClinVar variation 56397 (VCV000056397.8), dbSNP rs386833842, ClinGen allele CA263869.